The following is an entry in ClinVar:

ClinVar aggregate classification (germline): Uncertain significance (1 of 4 stars; one submission).

Conditions:
Cardiovascular phenotype. Identifiers: MedGen CN230736.

Submission:

Ambry Genetics
Classification: Uncertain significance for Cardiovascular phenotype. Last evaluated: 2026-09-11. Review status: criteria provided, single submitter. Criteria: Ambry Variant Classification Scheme 2023. Collection method: clinical testing. Allele origin: germline.
Comment: The p.M928I variant (also known as c.2784G>A), located in coding exon 15 of the DSG2 gene, results from a G to A substitution at nucleotide position 2784. The methionine at codon 928 is replaced by isoleucine, an amino acid with highly similar properties. This amino acid position is conserved. In addition, this alteration is predicted to be tolerated by in silico analysis. Based on the available evidence, the clinical significance of this variant remains unclear.

NM_001943.5(DSG2):c.2784G>A (p.Met928Ile)

Genes: DSG2 (desmoglein 2; plus strand), DSG2-AS1 (DSG2 antisense RNA 1; minus strand). Cytogenetic location: 18q12.1.
Variant type: single nucleotide variant.
Coding change: c.2784G>A on transcript NM_001943.5 (MANE Select); coding-DNA position 2784, G replaced by A.
Protein change: p.Met928Ile; replaces methionine 928 with isoleucine.
Molecular consequence: missense variant.
Genome position (GRCh38, 1-based): chr18:31,546,170, G>A. VCF-style: chr18-31546170-G-A. GRCh37 (hg19) VCF-style: chr18-29126133-G-A.
Other names: short protein forms M928I.
Identifiers: ClinVar variation 4831908 (VCV004831908.2).